The following is an entry in ClinVar:

ClinVar aggregate classification (germline): Uncertain significance (1 of 4 stars; one submission).

Conditions:
Bethlem myopathy 1A. Also called: Bethlem Muscular Dystrophy; Bethlem myopathy 1; MYOPATHY, BENIGN CONGENITAL, WITH CONTRACTURES. Identifiers: Orphanet 610, MedGen CN029274, MONDO:0024530, OMIM 158810.

Allele frequency attached by ClinVar (database versions not stated): TOPMed 0.00001.
gnomAD v4.1: 37 of 1,596,724 alleles (0.0023%); highest among the groups gnomAD compares: Non-Finnish European, 0.0032%; no homozygotes.

Submission:

Labcorp Genetics (formerly Invitae), Labcorp
Classification: Uncertain significance for Bethlem myopathy 1A. Last evaluated: 2022-08-16. Review status: criteria provided, single submitter. Criteria: Invitae Variant Classification Sherloc (09022015). Collection method: clinical testing. Allele origin: germline.
Comment: The frequency data for this variant in the population databases is considered unreliable, as metrics indicate poor data quality at this position in the gnomAD database. This sequence change falls in intron 27 of the COL6A2 gene. It does not directly change the encoded amino acid sequence of the COL6A2 protein. It affects a nucleotide within the consensus splice site. Variants that disrupt the consensus splice site are a relatively common cause of aberrant splicing (PMID: 17576681, 9536098). Algorithms developed to predict the effect of sequence changes on RNA splicing suggest that this variant is not likely to affect RNA splicing. This variant has not been reported in the literature in individuals affected with COL6A2-related conditions. ClinVar contains an entry for this variant (Variation ID: 955144). In summary, the available evidence is currently insufficient to determine the role of this variant in disease. Therefore, it has been classified as a Variant of Uncertain Significance.

Literature cited by the submitters: PubMed 17576681; PubMed 9536098.

NM_001849.4(COL6A2):c.2462-3C>T

Gene: COL6A2 (collagen type VI alpha 2 chain; plus strand). Cytogenetic location: 21q22.3.
Variant type: single nucleotide variant.
Coding change: c.2462-3C>T on transcript NM_001849.4 (MANE Select); 3 bases into the intron before coding-DNA position 2462, C replaced by T.
Molecular consequence: intron variant.
Genome position (GRCh38, 1-based): chr21:46,131,951, C>T. VCF-style: chr21-46131951-C-T. GRCh37 (hg19) VCF-style: chr21-47551865-C-T.
Identifiers: ClinVar variation 955144 (VCV000955144.7), dbSNP rs766469768, ClinGen allele CA10072894.
Genomic context (GRCh38, chr21:46,131,951, plus strand): 5'-CTGGCACCTGCCCGGTCCTGCCCACCTCCCCTCCGCCCAGCCCGCACCTGCGTCTCCCCA[C>T]AGAGCTGTCCGTGGCACAGTGCACGCAGCGGCCCGTGGACATCGTCTTCCTGCTGGACGG-3'